The following is an entry in ClinVar:

ClinVar aggregate classification (germline): Uncertain significance (1 of 4 stars; one submission).

Submission:

Labcorp Genetics (formerly Invitae), Labcorp
Classification: Uncertain significance. Last evaluated: 2022-04-10. Review status: criteria provided, single submitter. Criteria: Invitae Variant Classification Sherloc (09022015). Collection method: clinical testing. Allele origin: germline.
Comment: In summary, the available evidence is currently insufficient to determine the role of this variant in disease. Therefore, it has been classified as a Variant of Uncertain Significance. Advanced modeling of protein sequence and biophysical properties (such as structural, functional, and spatial information, amino acid conservation, physicochemical variation, residue mobility, and thermodynamic stability) performed at Invitae indicates that this missense variant is expected to disrupt KMT2A protein function. This variant has not been reported in the literature in individuals affected with KMT2A-related conditions. This variant is not present in population databases (gnomAD no frequency). This sequence change replaces glycine, which is neutral and non-polar, with glutamic acid, which is acidic and polar, at codon 1418 of the KMT2A protein (p.Gly1418Glu).

NM_001197104.2(KMT2A):c.4253G>A (p.Gly1418Glu)

Gene: KMT2A (lysine methyltransferase 2A; plus strand). Cytogenetic location: 11q23.3.
Variant type: single nucleotide variant.
Coding change: c.4253G>A on transcript NM_001197104.2 (MANE Select); coding-DNA position 4253, G replaced by A.
Protein change: p.Gly1418Glu; replaces glycine 1418 with glutamic acid.
Molecular consequence: missense variant.
Genome position (GRCh38, 1-based): chr11:118,484,896, G>A. VCF-style: chr11-118484896-G-A. GRCh37 (hg19) VCF-style: chr11-118355611-G-A.
Other names: c.4352G>A, p.Gly1451Glu (NM_001412597.1); c.4253G>A, p.Gly1418Glu (NM_005933.4); short protein forms G1418E, G1451E.
Identifiers: ClinVar variation 1967427 (VCV001967427.5), dbSNP rs1950203034, ClinGen allele CA382830779.